The following is an entry in ClinVar:

ClinVar aggregate classification (germline): Conflicting classifications of pathogenicity. Review status: criteria provided, conflicting classifications (1 of 4 stars). 5 submissions from 5 submitters: Uncertain significance (1); Benign (1); Likely benign (2). 1 of the submissions does not count toward it. Last evaluated 2025-10-23.

Conditions:
Hereditary cancer-predisposing syndrome. Also called: Tumor predisposition; Hereditary Cancer Syndrome; Neoplastic Syndromes, Hereditary; Hereditary neoplastic syndrome. Identifiers: Orphanet 140162, MedGen C0027672, MeSH D009386, MONDO:0015356.
Tuberous sclerosis syndrome (TSC). Also called: Tuberous Sclerosis Complex; Tuberous sclerosis. Identifiers: Orphanet 805, MedGen C0041341, MONDO:0001734.
Tuberous sclerosis 2 (TSC2). Identifiers: Orphanet 805, MedGen C1860707, MONDO:0013199, OMIM 613254.

Allele frequency attached by ClinVar (database versions not stated): TOPMed 0.00001; ExAC 0.00002; gnomAD exomes 0.00002 and 0.00003.
gnomAD v4.1: 23 of 1,612,984 alleles (0.0014%); highest among the groups gnomAD compares: Admixed American, 0.0083%; no homozygotes.

Submissions (5):

Labcorp Genetics (formerly Invitae), Labcorp
Classification: Benign for Tuberous sclerosis 2. Last evaluated: 2025-10-23. Review status: criteria provided, single submitter. Criteria: Invitae Variant Classification Sherloc (09022015). Collection method: clinical testing. Allele origin: germline.

St. Jude Molecular Pathology, St. Jude Children's Research Hospital
Classification: Uncertain significance for Tuberous sclerosis 2. Last evaluated: 2023-10-26. Review status: criteria provided, single submitter. Criteria: St. Jude Assertion Criteria 2020. Collection method: clinical testing. Allele origin: germline.
Comment: The TSC2 c.3482C>T (p.Ala1161Val) missense change has a maximum subpopulation frequency of 0.014% in gnomAD v2.1.1. The in silico tool REVEL is inconclusive about a pathogenic or benign effect of this variant on protein function, and to our knowledge functional studies have not been performed. To our knowledge, this variant has not been reported in individuals with tuberous sclerosis complex. In summary, the evidence currently available is insufficient to determine the clinical significance of this variant. It has therefore been classified as of uncertain significance.

Color Diagnostics, LLC DBA Color Health
Classification: Likely benign for Tuberous sclerosis syndrome. Last evaluated: 2023-03-22. Review status: criteria provided, single submitter. Criteria: ACMG Guidelines, 2015. Collection method: clinical testing. Allele origin: germline.

Ambry Genetics
Classification: Likely benign for Hereditary cancer-predisposing syndrome. Last evaluated: 2021-08-19. Review status: criteria provided, single submitter. Criteria: Ambry Variant Classification Scheme 2023. Collection method: clinical testing. Allele origin: germline.

Tuberous sclerosis database (TSC2)
No classification provided. Condition: TSC. Review status: no classification provided. Criteria: Tuberous Sclerosis Database Assertion Criteria 2015. Collection method: curation. Allele origin: germline. Affected: yes. Not counted in ClinVar's aggregate classification.

NM_000548.5(TSC2):c.3482C>T (p.Ala1161Val)

Gene: TSC2 (TSC complex subunit 2; plus strand). Cytogenetic location: 16p13.3.
Variant type: single nucleotide variant.
Coding change: c.3482C>T on transcript NM_000548.5 (MANE Select); coding-DNA position 3482, C replaced by T.
Protein change: p.Ala1161Val; replaces alanine 1161 with valine.
Molecular consequence: missense variant.
Genome position (GRCh38, 1-based): chr16:2,080,249, C>T. VCF-style: chr16-2080249-C-T. GRCh37 (hg19) VCF-style: chr16-2130250-C-T.
Other names: c.3350C>T, p.Ala1117Val (NM_001077183.3, NM_001370404.1); c.3482C>T, p.Ala1161Val (NM_001114382.3); c.3242C>T, p.Ala1081Val (NM_001318827.2); c.3206C>T, p.Ala1069Val (NM_001318829.2); c.2750C>T, p.Ala917Val (NM_001318831.2); c.3383C>T, p.Ala1128Val (NM_001318832.2); c.3353C>T, p.Ala1118Val (NM_001363528.2, NM_001370405.1, NM_021055.3); short protein forms A1161V, A1069V, A1117V, A1128V, A917V, A1118V, A1081V.
Identifiers: ClinVar variation 64875 (VCV000064875.15), dbSNP rs397514901, ClinGen allele CA019204.